The following is an entry in ClinVar:

ClinVar aggregate classification (germline): Uncertain significance (1 of 4 stars; one submission).

Conditions:
Bethlem myopathy 1A. Also called: Bethlem myopathy 1; MYOPATHY, BENIGN CONGENITAL, WITH CONTRACTURES; Bethlem Muscular Dystrophy. Identifiers: Orphanet 610, MedGen CN029274, MONDO:0024530, OMIM 158810.

gnomAD v4.1: 1 of 1,609,252 alleles (0.000062%); highest among the groups gnomAD compares: Non-Finnish European, 0.000085%; no homozygotes.

Submission:

Labcorp Genetics (formerly Invitae), Labcorp
Classification: Uncertain significance for Bethlem myopathy 1A. Last evaluated: 2018-05-05. Review status: criteria provided, single submitter. Criteria: Invitae Variant Classification Sherloc (09022015). Collection method: clinical testing. Allele origin: germline.
Comment: This sequence change replaces glutamic acid with aspartic acid at codon 959 of the COL6A2 protein (p.Glu959Asp). The glutamic acid residue is highly conserved and there is a small physicochemical difference between glutamic acid and aspartic acid. This variant is not present in population databases (ExAC no frequency). This variant has not been reported in the literature in individuals with COL6A2-related disease. Algorithms developed to predict the effect of missense changes on protein structure and function do not agree on the potential impact of this missense change (SIFT: "Deleterious"; PolyPhen-2: "Probably Damaging"; Align-GVGD: "Class C0"). In summary, the available evidence is currently insufficient to determine the role of this variant in disease. Therefore, it has been classified as a Variant of Uncertain Significance.

NM_001849.4(COL6A2):c.2877G>T (p.Glu959Asp)

Gene: COL6A2 (collagen type VI alpha 2 chain; plus strand). Cytogenetic location: 21q22.3.
Variant type: single nucleotide variant.
Coding change: c.2877G>T on transcript NM_001849.4 (MANE Select); coding-DNA position 2877, G replaced by T.
Protein change: p.Glu959Asp; replaces glutamic acid 959 with aspartic acid.
Molecular consequence: missense variant.
Genome position (GRCh38, 1-based): chr21:46,132,369, G>T. VCF-style: chr21-46132369-G-T. GRCh37 (hg19) VCF-style: chr21-47552283-G-T.
Other names: short protein forms E959D.
Identifiers: ClinVar variation 566186 (VCV000566186.9), dbSNP rs1274304291, ClinGen allele CA410549921.